The following is an entry in ClinVar:

ClinVar aggregate classification (germline): Uncertain significance. Review status: criteria provided, multiple submitters, no conflicts (2 of 4 stars). 4 submissions from 4 submitters: Uncertain significance (4). Last evaluated 2024-01-15.

Conditions:
Progressive sclerosing poliodystrophy (MTDPS4A). Also called: Mitochondrial DNA Depletion Syndrome 4A; Alpers-Huttenlocher Syndrome; Alpers Syndrome; NEURONAL DEGENERATION OF CHILDHOOD WITH LIVER DISEASE, PROGRESSIVE; ALPERS DIFFUSE DEGENERATION OF CEREBRAL GRAY MATTER WITH HEPATIC CIRRHOSIS; Alpers-Huttenlocher Syndrome (AHS). Identifiers: Orphanet 726, MedGen C0205710, MONDO:0008758, OMIM 203700.

Allele frequency attached by ClinVar (database versions not stated): gnomAD 0.00001; TOPMed 0.00001.
gnomAD v4.1: 5 of 1,614,012 alleles (0.00031%); highest among the groups gnomAD compares: Non-Finnish European, 0.00042%; no homozygotes.

Submissions (4):

Labcorp Genetics (formerly Invitae), Labcorp
Classification: Uncertain significance for Progressive sclerosing poliodystrophy. Last evaluated: 2024-01-15. Review status: criteria provided, single submitter. Criteria: Invitae Variant Classification Sherloc (09022015). Collection method: clinical testing. Allele origin: germline.
Comment: This sequence change replaces isoleucine, which is neutral and non-polar, with threonine, which is neutral and polar, at codon 1185 of the POLG protein (p.Ile1185Thr). This variant is present in population databases (rs374183622, gnomAD 0.006%). This missense change has been observed in individual(s) with autosomal recessive childhood myocerebrohepatopathy spectrum (PMID: 25466440). ClinVar contains an entry for this variant (Variation ID: 2070252). Advanced modeling of protein sequence and biophysical properties (such as structural, functional, and spatial information, amino acid conservation, physicochemical variation, residue mobility, and thermodynamic stability) performed at Invitae indicates that this missense variant is expected to disrupt POLG protein function with a positive predictive value of 95%. In summary, the available evidence is currently insufficient to determine the role of this variant in disease. Therefore, it has been classified as a Variant of Uncertain Significance.

GeneDx
Classification: Uncertain significance. Last evaluated: 2023-11-13. Review status: criteria provided, single submitter. Criteria: GeneDx Variant Classification Process June 2021. Collection method: clinical testing. Allele origin: germline. Affected: yes.
Comment: Not observed at significant frequency in large population cohorts (gnomAD); In silico analysis supports that this missense variant has a deleterious effect on protein structure/function; This variant is associated with the following publications: (PMID: 26607151, 32703289, 25466440)

Athena Diagnostics
Classification: Uncertain significance. Last evaluated: 2023-02-27. Review status: criteria provided, single submitter. Criteria: Athena Diagnostics Criteria. Collection method: clinical testing. Allele origin: unknown.
Comment: Available data are insufficient to determine the clinical significance of the variant at this time. The frequency of this variant in the general population is uninformative in assessment of its pathogenicity. Computational tools predict that this variant is damaging.

Blueprint Genetics
Classification: Uncertain significance. Last evaluated: 2020-06-12. Review status: criteria provided, single submitter. Criteria: ACMG Guidelines, 2015. Collection method: clinical testing. Allele origin: germline.

Literature cited by the submitters: PubMed 25466440 (cited by Labcorp Genetics (formerly Invitae), Labcorp and Athena Diagnostics); PubMed 32703289 (cited by Athena Diagnostics); PubMed 28480171 (cited by Athena Diagnostics); PubMed 27101133 (cited by Athena Diagnostics); PubMed 24266892 (cited by Athena Diagnostics); PubMed 27527004 (cited by Athena Diagnostics).

NM_002693.3(POLG):c.3554T>C (p.Ile1185Thr)

Gene: POLG (DNA polymerase gamma, catalytic subunit; minus strand). Cytogenetic location: 15q26.1.
Variant type: single nucleotide variant.
Coding change: c.3554T>C on transcript NM_002693.3 (MANE Select); coding-DNA position 3554, T replaced by C.
Protein change: p.Ile1185Thr; replaces isoleucine 1185 with threonine.
Molecular consequence: missense variant.
Genome position (GRCh38, 1-based): chr15:89,317,465, A>G on the plus strand (T>C on the coding strand, the complement: POLG is on the minus strand). VCF-style: chr15-89317465-A-G. GRCh37 (hg19) VCF-style: chr15-89860696-A-G.
Other names: c.3554T>C, p.Ile1185Thr (NM_001126131.2); short protein forms I1185T.
Identifiers: ClinVar variation 2070252 (VCV002070252.6), dbSNP rs374183622, ClinGen allele CA7724098.